The following is an entry in ClinVar:

ClinVar aggregate classification (germline): Uncertain significance (1 of 4 stars; one submission).

Submission:

Ambry Genetics
Classification: Uncertain significance. Last evaluated: 2024-01-27. Review status: criteria provided, single submitter. Criteria: Ambry Variant Classification Scheme 2023. Collection method: clinical testing. Allele origin: germline.
Comment: The p.A414P variant (also known as c.1240G>C), located in coding exon 8 of the POLQ gene, results from a G to C substitution at nucleotide position 1240. The alanine at codon 414 is replaced by proline, an amino acid with highly similar properties. This amino acid position is conserved. In addition, this alteration is predicted to be deleterious by in silico analysis. Based on the available evidence, the clinical significance of this alteration remains unclear.

NM_199420.4(POLQ):c.1240G>C (p.Ala414Pro)

Gene: POLQ (DNA polymerase theta; minus strand). Cytogenetic location: 3q13.33.
Variant type: single nucleotide variant.
Coding change: c.1240G>C on transcript NM_199420.4 (MANE Select); coding-DNA position 1240, G replaced by C.
Protein change: p.Ala414Pro; replaces alanine 414 with proline.
Molecular consequence: missense variant.
Genome position (GRCh38, 1-based): chr3:121,522,018, C>G on the plus strand (G>C on the coding strand, the complement: POLQ is on the minus strand). VCF-style: chr3-121522018-C-G. GRCh37 (hg19) VCF-style: chr3-121240865-C-G.
Other names: short protein forms A414P.
Identifiers: ClinVar variation 3229822 (VCV003229822.1), dbSNP rs758443447, ClinGen allele CA354121304.